The following is an entry in ClinVar:

ClinVar aggregate classification (germline): Benign/Likely benign. Review status: criteria provided, multiple submitters, no conflicts (2 of 4 stars). 4 submissions from 4 submitters: Benign (1); Likely benign (3). Last evaluated 2024-11-11.

Allele frequency attached by ClinVar (database versions not stated): 1000 Genomes Project 0.00020; 1000 Genomes Project 30x 0.00031; TOPMed 0.00146; gnomAD 0.00153 and 0.00163; ESP Exome Variant Server 0.00183; gnomAD exomes 0.00228.
gnomAD v4.1: 3,536 of 1,613,182 alleles (0.22%); highest among the groups gnomAD compares: Non-Finnish European, 0.28%; 6 homozygotes.

Submissions (4):

Blueprint Genetics
Classification: Likely benign. Last evaluated: 2024-11-11. Review status: criteria provided, single submitter. Criteria: ACMG Guidelines, 2015. Collection method: clinical testing. Allele origin: germline.

CeGaT Center for Human Genetics Tuebingen
Classification: Likely benign. Last evaluated: 2024-04-01. Review status: criteria provided, single submitter. Criteria: CeGaT Center For Human Genetics Tuebingen Variant Classification Criteria Version 2. Collection method: clinical testing. Allele origin: germline. Affected: yes. Observed: 5 variant alleles.
Comment: BDP1: BP4, BP7, BS2

GeneDx
Classification: Likely benign. Last evaluated: 2021-03-17. Review status: criteria provided, single submitter. Criteria: GeneDx Variant Classification Process June 2021. Collection method: clinical testing. Allele origin: germline. Affected: yes.

Athena Diagnostics
Classification: Benign. Last evaluated: 2019-07-22. Review status: criteria provided, single submitter. Criteria: Athena Diagnostics Criteria. Collection method: clinical testing. Allele origin: germline.

NM_018429.3(BDP1):c.4578A>G (p.Ser1526=)

Gene: BDP1 (BDP1 general transcription factor IIIB subunit; plus strand). Cytogenetic location: 5q13.2.
Variant type: single nucleotide variant.
Coding change: c.4578A>G on transcript NM_018429.3 (MANE Select); coding-DNA position 4578, A replaced by G.
Protein change: p.Ser1526=; no amino-acid change (serine 1526 retained).
Molecular consequence: synonymous variant.
Genome position (GRCh38, 1-based): chr5:71,515,051, A>G. VCF-style: chr5-71515051-A-G. GRCh37 (hg19) VCF-style: chr5-70810878-A-G.
Identifiers: ClinVar variation 508594 (VCV000508594.37), dbSNP rs199669834, ClinGen allele CA3296732.